The following is an entry in ClinVar:

ClinVar aggregate classification (germline): Uncertain significance (1 of 4 stars; one submission).

Conditions:
Hereditary cancer-predisposing syndrome. Also called: Tumor predisposition; Neoplastic Syndromes, Hereditary; Hereditary neoplastic syndrome; Hereditary Cancer Syndrome. Identifiers: Orphanet 140162, MedGen C0027672, MeSH D009386, MONDO:0015356.

Submission:

Ambry Genetics
Classification: Uncertain significance for Hereditary cancer-predisposing syndrome. Last evaluated: 2025-08-27. Review status: criteria provided, single submitter. Criteria: Ambry Variant Classification Scheme 2023. Collection method: clinical testing. Allele origin: germline.
Comment: The p.E410V variant (also known as c.1229A>T), located in coding exon 13 of the MUTYH gene, results from an A to T substitution at nucleotide position 1229. The glutamic acid at codon 410 is replaced by valine, an amino acid with dissimilar properties. This amino acid position is conserved. In addition, the in silico prediction for this alteration is inconclusive. Based on the available evidence, the clinical significance of this variant remains unclear.

NM_001048174.2(MUTYH):c.1145A>T (p.Glu382Val)

Gene: MUTYH (mutY DNA glycosylase; minus strand). Cytogenetic location: 1p34.1.
Variant type: single nucleotide variant.
Coding change: c.1145A>T on transcript NM_001048174.2 (MANE Select); coding-DNA position 1145, A replaced by T.
Protein change: p.Glu382Val; replaces glutamic acid 382 with valine.
Molecular consequence: missense variant. On other transcripts: non-coding transcript variant (7).
Genome position (GRCh38, 1-based): chr1:45,331,514, T>A on the plus strand (A>T on the coding strand, the complement: MUTYH is on the minus strand). VCF-style: chr1-45331514-T-A. GRCh37 (hg19) VCF-style: chr1-45797186-T-A.
Other names: c.1145A>T, p.Glu382Val (NM_001048171.2, NM_001048173.2, NM_001293195.2 and 6 more transcripts); c.1148A>T, p.Glu383Val (NM_001048172.2, NM_001407071.1, NM_001407078.1 and 1 more transcripts); c.1229A>T, p.Glu410Val (NM_001128425.2); c.1190A>T, p.Glu397Val (NM_001293190.2); c.1178A>T, p.Glu393Val (NM_001293191.2, NM_001407069.1, NM_001407077.1); c.869A>T, p.Glu290Val (NM_001293192.2, NM_001293196.2, NM_001407091.1); c.800A>T, p.Glu267Val (NM_001350650.2, NM_001350651.2, NM_001407082.1); c.1061A>T, p.Glu354Val (NM_001407075.1); and 5 more; short protein forms E368V, E389V, E382V, E393V, E396V, E397V, E410V, E267V.
Identifiers: ClinVar variation 4113104 (VCV004113104.1).